The following is an entry in ClinVar:

ClinVar aggregate classification (germline): Pathogenic (1 of 4 stars; one submission).

Conditions:
Primary immunodeficiency with post-measles-mumps-rubella vaccine viral infection. Also called: Immunodeficiency 44. Identifiers: Orphanet 431166, MedGen C4225260, MONDO:0014715, OMIM 616636.

Allele frequency attached by ClinVar (database versions not stated): gnomAD exomes below 0.00001; gnomAD 0.00001; TOPMed 0.00001.

Submission:

Labcorp Genetics (formerly Invitae), Labcorp
Classification: Pathogenic for Primary immunodeficiency with post-measles-mumps-rubella vaccine viral infection. Last evaluated: 2021-08-23. Review status: criteria provided, single submitter. Criteria: Invitae Variant Classification Sherloc (09022015). Collection method: clinical testing. Allele origin: germline.
Comment: This sequence change creates a premature translational stop signal (p.Arg223*) in the STAT2 gene. It is expected to result in an absent or disrupted protein product. Loss-of-function variants in STAT2 are known to be pathogenic (PMID: 23391734, 26122121). For these reasons, this variant has been classified as Pathogenic. This variant has not been reported in the literature in individuals affected with STAT2-related conditions. This variant is not present in population databases (ExAC no frequency).

Literature cited by the submitters: PubMed 23391734; PubMed 26122121.

NM_005419.4(STAT2):c.667C>T (p.Arg223Ter)

Gene: STAT2 (signal transducer and activator of transcription 2; minus strand). Cytogenetic location: 12q13.3.
Variant type: single nucleotide variant.
Coding change: c.667C>T on transcript NM_005419.4 (MANE Select); coding-DNA position 667, C replaced by T.
Protein change: p.Arg223Ter; replaces arginine 223 with a stop codon.
Molecular consequence: nonsense.
Genome position (GRCh38, 1-based): chr12:56,354,581, G>A on the plus strand (C>T on the coding strand, the complement: STAT2 is on the minus strand). VCF-style: chr12-56354581-G-A. GRCh37 (hg19) VCF-style: chr12-56748365-G-A.
Other names: c.655C>T, p.Arg219Ter (NM_001385110.1, NM_001385115.1, NM_198332.2); c.667C>T, p.Arg223Ter (NM_001385111.1, NM_001385113.1, NM_001385114.1); short protein forms R219*, R223*.
Identifiers: ClinVar variation 1451222 (VCV001451222.6), dbSNP rs1216776022, ClinGen allele CA385262769.